The following is an entry in ClinVar:

ClinVar aggregate classification (germline): Benign. Review status: criteria provided, single submitter (1 of 4 stars). 2 submissions from 2 submitters: Benign (1). 1 of the submissions does not count toward it. Last evaluated 2026-02-01.

Conditions:
UNC45A-related disorder. Also called: UNC45A-related condition.

Allele frequency attached by ClinVar (database versions not stated): gnomAD exomes 0.00014 and 0.00043; ExAC 0.00053; 1000 Genomes Project 0.00140; gnomAD 0.00161 and 0.00175; ESP Exome Variant Server 0.00169; 1000 Genomes Project 30x 0.00172; TOPMed 0.00179.
gnomAD v4.1: 453 of 1,613,568 alleles (0.028%); highest among the groups gnomAD compares: African/African-American, 0.53%; no homozygotes.

Submissions (2):

Labcorp Genetics (formerly Invitae), Labcorp
Classification: Benign. Last evaluated: 2026-02-01. Review status: criteria provided, single submitter. Criteria: Invitae Variant Classification Sherloc (09022015). Collection method: clinical testing. Allele origin: germline.

PreventionGenetics, part of Exact Sciences
Classification: Likely benign for UNC45A-related condition. Last evaluated: 2024-01-12. Review status: no assertion criteria provided. Collection method: clinical testing. Allele origin: germline. Not counted in ClinVar's aggregate classification.
Comment: This variant is classified as likely benign based on ACMG/AMP sequence variant interpretation guidelines (Richards et al. 2015 PMID: 25741868, with internal and published modifications).

NM_018671.5(UNC45A):c.2388G>A (p.Thr796=)

Genes: RCCD1-AS1 (RCCD1 and UNC45A antisense RNA 1; minus strand), UNC45A (unc-45 myosin chaperone A; plus strand). Cytogenetic location: 15q26.1.
Variant type: single nucleotide variant.
Coding change: c.2388G>A on transcript NM_018671.5 (MANE Select); coding-DNA position 2388, G replaced by A.
Protein change: p.Thr796=; no amino-acid change (threonine 796 retained).
Molecular consequence: synonymous variant. On other transcripts: non-coding transcript variant (1).
Genome position (GRCh38, 1-based): chr15:90,953,013, G>A. VCF-style: chr15-90953013-G-A. GRCh37 (hg19) VCF-style: chr15-91496243-G-A.
Other names: c.2343G>A, p.Thr781= (NM_001039675.2, NM_001323621.2); c.2388G>A, p.Thr796= (NM_001323619.1); c.1953G>A, p.Thr651= (NM_001323620.2).
Identifiers: ClinVar variation 1167745 (VCV001167745.11), dbSNP rs140310728, ClinGen allele CA7743284.
Genomic context (GRCh38, chr15:90,953,013, plus strand): 5'-TGTGCCCATGATAGAAGGCTACATGTTTGAGGAGCATGAGATGATCCGCCGGGCAGCCAC[G>A]GAGTGCATGTGTAACTTGGCCATGAGCAAGGAGGTGAGGGTTGGTCTGGGTGCTCATGAC-3'
Protein context (NP_061141.2, residues 786-806): EEHEMIRRAA[Thr796=]ECMCNLAMSK